The following is an entry in ClinVar:

NM_001035.3(RYR2):c.4875G>A (p.Leu1625=)

Gene: RYR2 (ryanodine receptor 2; plus strand). Cytogenetic location: 1q43.
Variant type: single nucleotide variant.
Coding change: c.4875G>A on transcript NM_001035.3 (MANE Select); coding-DNA position 4875, G replaced by A.
Protein change: p.Leu1625=; no amino-acid change (leucine 1625 retained).
Molecular consequence: synonymous variant.
Genome position (GRCh38, 1-based): chr1:237,610,953, G>A. VCF-style: chr1-237610953-G-A. GRCh37 (hg19) VCF-style: chr1-237774253-G-A.
Other names: c.4875G>A, p.Leu1625= (LRG_402t1).
Identifiers: ClinVar variation 626379 (VCV000626379.21), dbSNP rs369323506, ClinGen allele CA086756.
Genomic context (GRCh38, chr1:237,610,953, plus strand): 5'-GGTAGATGTGTCTCGAATAAGTGAACGCCAAGGCTGGTTGGTGCAGTGTTTGGATCCTCT[G>A]CAGTTCATGTCTCTTCATATCCCTGAGGAAAACAGGTCAGCCCCAGTGAATCCCTGACAT-3'
Protein context (NP_001026.2, residues 1615-1635): QGWLVQCLDP[Leu1625=]QFMSLHIPEE

ClinVar aggregate classification (germline): Conflicting classifications of pathogenicity. Review status: criteria provided, conflicting classifications (1 of 4 stars). 6 submissions from 6 submitters: Uncertain significance (1); Likely benign (5). Last evaluated 2026-09-01.

Conditions:
Catecholaminergic polymorphic ventricular tachycardia (CVPT). Also called: Catecholamine-induced polymorphic ventricular tachycardia. Identifiers: Orphanet 3286, MedGen C5574922, MONDO:0017990.
Cardiovascular phenotype. Identifiers: MedGen CN230736.
Catecholaminergic polymorphic ventricular tachycardia 1. Also called: VENTRICULAR TACHYCARDIA, STRESS-INDUCED POLYMORPHIC 1; VENTRICULAR TACHYCARDIA, CATECHOLAMINERGIC POLYMORPHIC, 1, WITH OR WITHOUT ATRIAL DYSFUNCTION AND/OR DILATED CARDIOMYOPATHY; RYR2-Related Catecholaminergic Polymorphic Ventricular Tachycardia. Identifiers: Orphanet 3286, MedGen C1631597, MONDO:0011484, OMIM 604772.
Cardiomyopathy (CMYO). Also called: Cardiomyopathies. Identifiers: Orphanet 167848, MedGen C0878544, MONDO:0004994, HP:0001638. Inheritance: Various modes of inheritance.

Allele frequency attached by ClinVar (database versions not stated): gnomAD exomes 0.00002 and 0.00004; TOPMed 0.00003; ExAC 0.00004; gnomAD 0.00004 and 0.00005; ESP Exome Variant Server 0.00008.
gnomAD v4.1: 38 of 1,613,250 alleles (0.0024%); highest among the groups gnomAD compares: Middle Eastern, 0.016%; no homozygotes.

Submissions (6):

CeGaT Center for Human Genetics Tuebingen
Classification: Likely benign. Last evaluated: 2026-09-01. Review status: criteria provided, single submitter. Criteria: CeGaT Center For Human Genetics Tuebingen Variant Classification Criteria Version 2. Collection method: clinical testing. Allele origin: germline. Affected: yes. Observed: 1 variant allele.
Comment: RYR2: BP4, BP7

Labcorp Genetics (formerly Invitae), Labcorp
Classification: Likely benign for Catecholaminergic polymorphic ventricular tachycardia 1. Last evaluated: 2025-11-23. Review status: criteria provided, single submitter. Criteria: Invitae Variant Classification Sherloc (09022015). Collection method: clinical testing. Allele origin: germline.

All of Us Research Program, National Institutes of Health
Classification: Likely benign for Catecholaminergic polymorphic ventricular tachycardia. Last evaluated: 2023-11-30. Review status: criteria provided, single submitter. Criteria: ACMG Guidelines, 2015. Collection method: clinical testing. Allele origin: germline. Inheritance: Autosomal dominant inheritance. Observed: 7 variant alleles, 7 heterozygotes.
Comment: This study involves interpretation of variants in research participants for the purpose of population health screening. Participant phenotype was not available at the time of variant classification. Additional details can be found in publication PMID: 35346344, PMCID: PMC8962531

Ambry Genetics
Classification: Likely benign for Cardiovascular phenotype. Last evaluated: 2020-08-25. Review status: criteria provided, single submitter. Criteria: Ambry Variant Classification Scheme 2023. Collection method: clinical testing. Allele origin: germline.

Color Diagnostics, LLC DBA Color Health
Classification: Likely benign for Cardiomyopathy. Last evaluated: 2019-02-08. Review status: criteria provided, single submitter. Criteria: ACMG Guidelines, 2015. Collection method: clinical testing. Allele origin: germline.

CHEO Genetics Diagnostic Laboratory, Children's Hospital of Eastern Ontario
Classification: Uncertain significance for Cardiomyopathy. Last evaluated: 2015-12-18. Review status: criteria provided, single submitter. Criteria: ACMG Guidelines, 2015. Collection method: clinical testing. Allele origin: germline. Study: Canadian Open Genetics Repository.